The following is an entry in ClinVar:

NM_000059.4(BRCA2):c.4232C>T (p.Ala1411Val)

Gene: BRCA2 (BRCA2 DNA repair associated; plus strand). Cytogenetic location: 13q13.1.
Variant type: single nucleotide variant.
Coding change: c.4232C>T on transcript NM_000059.4 (MANE Select); coding-DNA position 4232, C replaced by T.
Protein change: p.Ala1411Val; replaces alanine 1411 with valine.
Molecular consequence: missense variant. On other transcripts: non-coding transcript variant (1), intron variant (2).
Genome position (GRCh38, 1-based): chr13:32,338,587, C>T. VCF-style: chr13-32338587-C-T. GRCh37 (hg19) VCF-style: chr13-32912724-C-T.
Other names: c.4232C>T, p.Ala1411Val (NM_001406719.1, NM_001406720.1, NM_001432077.1); c.1909+5200C>T (NM_001406721.1); c.425-5971C>T (NM_001406722.1); short protein forms A1411V.
Identifiers: ClinVar variation 3341066 (VCV003341066.1).

ClinVar aggregate classification (germline): Uncertain significance (1 of 4 stars; one submission).

Submission:

GeneDx
Classification: Uncertain significance. Last evaluated: 2024-03-20. Review status: criteria provided, single submitter. Criteria: GeneDx Variant Classification Process June 2021. Collection method: clinical testing. Allele origin: germline. Affected: yes.
Comment: Not observed at significant frequency in large population cohorts (gnomAD); In silico analysis supports that this missense variant has a deleterious effect on protein structure/function; Has not been previously published as pathogenic or benign to our knowledge; Also known as 4460C>T